The following is an entry in ClinVar:

ClinVar aggregate classification (germline): Conflicting classifications of pathogenicity. Review status: criteria provided, conflicting classifications (1 of 4 stars). 10 submissions from 9 submitters: Uncertain significance (4); Likely benign (4). 2 of the submissions do not count toward it. Last evaluated 2026-07-14.

Conditions:
Optic atrophy. Identifiers: MedGen C0029124, MONDO:0003608, HP:0000648.
Microcephaly with or without chorioretinopathy, lymphedema, or impaired intellectual development. Also called: MICROCEPHALY AND CHORIORETINOPATHY WITH OR WITHOUT MENTAL RETARDATION, AUTOSOMAL DOMINANT; MICROCEPHALY, LYMPHEDEMA, CHORIORETINAL DYSPLASIA SYNDROME; Microcephaly lymphedema chorioretinal dysplasia; Microcephaly with or without chorioretinopathy, lymphedema, or mental retardation; Microcephaly with or without chorioretinopathy, lymphedema, or intellectual disability. Identifiers: Orphanet 2526, MedGen C1835265, MONDO:0007918, OMIM 152950.
Inborn genetic diseases. Identifiers: MedGen C0950123, MeSH D030342.
Retinal dystrophy. Also called: Inherited retinal dystrophy. Identifiers: Orphanet 71862, MedGen C0854723, MeSH D058499, MONDO:0019118, HP:0000556.
KIF11-related disorder. Also called: KIF11-related condition.

Allele frequency attached by ClinVar (database versions not stated): gnomAD exomes 0.00015 and 0.00017; ExAC 0.00016; gnomAD 0.00009 and 0.00011; TOPMed 0.00022; ESP Exome Variant Server 0.00023.
gnomAD v4.1: 245 of 1,608,332 alleles (0.015%); highest among the groups gnomAD compares: Middle Eastern, 0.56%; no homozygotes.

Submissions (10):

PreventionGenetics, part of Exact Sciences
Classification: Uncertain significance for KIF11-related condition. Last evaluated: 2026-07-14. Review status: criteria provided, single submitter. Criteria: ACMG Guidelines, 2015. Collection method: clinical testing. Allele origin: germline.
Comment: The KIF11 c.193A>G variant is predicted to result in the amino acid substitution p.Thr65Ala. To our knowledge, this variant has not been reported in the literature. This variant is reported in 0.036% of alleles in individuals of Latino descent in gnomAD, which may be too frequent to be a primary cause of disease. Although we suspect that this variant may be benign, at this time, the clinical significance of this variant is uncertain due to the absence of conclusive functional and genetic evidence.

CeGaT Center for Human Genetics Tuebingen
Classification: Likely benign. Last evaluated: 2026-07-01. Review status: criteria provided, single submitter. Criteria: CeGaT Center For Human Genetics Tuebingen Variant Classification Criteria Version 2. Collection method: clinical testing. Allele origin: germline. Affected: yes. Observed: 2 variant alleles.
Comment: KIF11: BS2

Labcorp Genetics (formerly Invitae), Labcorp
Classification: Likely benign. Last evaluated: 2025-12-22. Review status: criteria provided, single submitter. Criteria: Invitae Variant Classification Sherloc (09022015). Collection method: clinical testing. Allele origin: germline.

Blueprint Genetics
Classification: Likely benign. Last evaluated: 2024-11-25. Review status: criteria provided, single submitter. Criteria: ACMG Guidelines, 2015. Collection method: clinical testing. Allele origin: germline.

Ambry Genetics
Classification: Likely benign for Inborn genetic diseases. Last evaluated: 2022-06-28. Review status: criteria provided, single submitter. Criteria: Ambry Variant Classification Scheme 2023. Collection method: clinical testing. Allele origin: germline.

Genetic Services Laboratory, University of Chicago
Classification: Uncertain significance. Last evaluated: 2021-11-19. Review status: criteria provided, single submitter. Criteria: ACMG Guidelines, 2015. Collection method: clinical testing. Allele origin: germline. Affected: no.
Comment: DNA sequence analysis of the KIF11 gene demonstrated a sequence change, c.193A>G, in exon 2 that results in an amino acid change, p.Thr65Ala. This sequence change has been described in the gnomAD database with a frequency of 0.036% in the Latino/admixed American subpopulation (dbSNP rs200410468). The p.Thr65Ala change affects a moderately conserved amino acid residue located in a domain of the KIF11 protein that is known to be functional. In-silico pathogenicity prediction tools (SIFT, PolyPhen2, Align GVGD, REVEL) provide contradictory results for the p.Thr65Ala substitution. This sequence change does not appear to have been previously described in individuals with KIF11-related disorders. Due to insufficient evidences and the lack of functional studies, the clinical significance of the p.Thr65Ala change remains unknown at this time.

Baylor Genetics
Classification: Uncertain significance for Microcephaly with or without chorioretinopathy, lymphedema, or impaired intellectual development. Last evaluated: 2020-02-13. Review status: criteria provided, single submitter. Criteria: ACMG Guidelines, 2015. Collection method: clinical testing. Allele origin: unknown. Affected: yes.
Comment: This variant was determined to be of uncertain significance according to ACMG Guidelines, 2015 [PMID:25741868].

Breakthrough Genomics
Classification: Uncertain significance. Review status: criteria provided, single submitter. Criteria: ACMG Guidelines, 2015. Collection method: not provided. Allele origin: germline. Inheritance: Autosomal dominant inheritance. Affected: yes.

Institute of Human Genetics, Univ. Regensburg, Univ. Regensburg
Classification: Uncertain significance for Optic atrophy. Last evaluated: 2022-01-01. Review status: no assertion criteria provided. Criteria: ACMG Guidelines, 2015. Collection method: clinical testing. Allele origin: germline. Affected: yes. Not counted in ClinVar's aggregate classification.

Institute of Human Genetics, Univ. Regensburg, Univ. Regensburg
Classification: Uncertain significance for Retinal dystrophy. Last evaluated: 2022-01-01. Review status: no assertion criteria provided. Criteria: ACMG Guidelines, 2015. Collection method: clinical testing. Allele origin: germline. Affected: yes. Not counted in ClinVar's aggregate classification.

NM_004523.4(KIF11):c.193A>G (p.Thr65Ala)

Gene: KIF11 (kinesin family member 11; plus strand). Cytogenetic location: 10q23.33.
Variant type: single nucleotide variant.
Coding change: c.193A>G on transcript NM_004523.4 (MANE Select); coding-DNA position 193, A replaced by G.
Protein change: p.Thr65Ala; replaces threonine 65 with alanine.
Molecular consequence: missense variant.
Genome position (GRCh38, 1-based): chr10:92,606,380, A>G. VCF-style: chr10-92606380-A-G. GRCh37 (hg19) VCF-style: chr10-94366137-A-G.
Other names: short protein forms T65A.
Identifiers: ClinVar variation 963518 (VCV000963518.24), dbSNP rs200410468, ClinGen allele CA5603922.
Genomic context (GRCh38, chr10:92,606,380, plus strand): 5'-CCTGTACGAAAAGAAGTTAGTGTACGAACTGGAGGATTGGCTGACAAGAGCTCAAGGAAA[A>G]CATACACTTTTGATATGGTAACATATGGTGCAATTTCTTTATTATCCACTAATGTAAAAT-3'
Protein context (NP_004514.2, residues 55-75): GGLADKSSRK[Thr65Ala]YTFDMVFGAS